The following is an entry in ClinVar:

NM_002180.3(IGHMBP2):c.1709G>A (p.Arg570Gln)

Gene: IGHMBP2 (immunoglobulin mu DNA binding protein 2; plus strand). Cytogenetic location: 11q13.3.
Variant type: single nucleotide variant.
Coding change: c.1709G>A on transcript NM_002180.3 (MANE Select); coding-DNA position 1709, G replaced by A.
Protein change: p.Arg570Gln; replaces arginine 570 with glutamine.
Molecular consequence: missense variant.
Genome position (GRCh38, 1-based): chr11:68,935,375, G>A. VCF-style: chr11-68935375-G-A. GRCh37 (hg19) VCF-style: chr11-68702843-G-A.
Other names: short protein forms R570Q.
Identifiers: ClinVar variation 1778507 (VCV001778507.5), dbSNP rs776047744, ClinGen allele CA6153742.
Genomic context (GRCh38, chr11:68,935,375, plus strand): 5'-AGAGCCTTGTGCACAGGCACCCTGAGCTTGAAATCAAGTCTGTCGATGGCTTCCAAGGCC[G>A]AGAGAAGGAGGCCGTGATACTGTCCTTCGTCAGATCCAACAGGAAAGGTACGGAGCCCTC-3'
Protein context (NP_002171.2, residues 560-580): EIKSVDGFQG[Arg570Gln]EKEAVILSFV

ClinVar aggregate classification (germline): Uncertain significance. Review status: criteria provided, multiple submitters, no conflicts (2 of 4 stars). 2 submissions from 2 submitters: Uncertain significance (2). Last evaluated 2025-01-01.

Conditions:
Inborn genetic diseases. Identifiers: MedGen C0950123, MeSH D030342.
Charcot-Marie-Tooth disease axonal type 2S. Also called: CHARCOT-MARIE-TOOTH NEUROPATHY, TYPE 2S; CHARCOT-MARIE-TOOTH DISEASE, AXONAL, AUTOSOMAL RECESSIVE, TYPE 2S. Identifiers: Orphanet 443073, MedGen C4015349, MONDO:0014511, OMIM 616155.
Autosomal recessive distal spinal muscular atrophy 1. Also called: HMN VI; NEURONOPATHY, SEVERE INFANTILE AXONAL, WITH RESPIRATORY FAILURE; SEVERE INFANTILE AXONAL NEUROPATHY WITH RESPIRATORY FAILURE; SPINAL MUSCULAR ATROPHY, DIAPHRAGMATIC; Spinal muscular atrophy with respiratory distress 1; NEURONOPATHY, DISTAL HEREDITARY MOTOR, HARDING TYPE VI. Identifiers: Orphanet 98920, MedGen C1858517, MONDO:0011436, OMIM 604320.

Allele frequency attached by ClinVar (database versions not stated): ExAC 0.00001; gnomAD exomes 0.00001; TOPMed 0.00002; gnomAD 0.00003.

Submissions (2):

Ambry Genetics
Classification: Uncertain significance for Inborn genetic diseases. Last evaluated: 2025-01-01. Review status: criteria provided, single submitter. Criteria: Ambry Variant Classification Scheme 2023. Collection method: clinical testing. Allele origin: germline.

Labcorp Genetics (formerly Invitae), Labcorp
Classification: Uncertain significance for Autosomal recessive distal spinal muscular atrophy 1; Charcot-Marie-Tooth disease axonal type 2S. Last evaluated: 2022-03-05. Review status: criteria provided, single submitter. Criteria: Invitae Variant Classification Sherloc (09022015). Collection method: clinical testing. Allele origin: germline.
Comment: This sequence change replaces arginine, which is basic and polar, with glutamine, which is neutral and polar, at codon 570 of the IGHMBP2 protein (p.Arg570Gln). This variant is present in population databases (rs776047744, gnomAD 0.003%). This variant has not been reported in the literature in individuals affected with IGHMBP2-related conditions. Advanced modeling of protein sequence and biophysical properties (such as structural, functional, and spatial information, amino acid conservation, physicochemical variation, residue mobility, and thermodynamic stability) performed at Invitae indicates that this missense variant is expected to disrupt IGHMBP2 protein function. In summary, the available evidence is currently insufficient to determine the role of this variant in disease. Therefore, it has been classified as a Variant of Uncertain Significance.